The following is an entry in ClinVar:

ClinVar aggregate classification (germline): Conflicting classifications of pathogenicity. Review status: criteria provided, conflicting classifications (1 of 4 stars). 4 submissions from 4 submitters: Uncertain significance (2); Likely benign (2). Last evaluated 2025-07-31.

Conditions:
Hereditary breast ovarian cancer syndrome. Also called: Hereditary breast and ovarian cancer; Hereditary breast and/or ovarian cancer syndrome; Hereditary breast and ovarian cancer syndrome; Hereditary breast and ovarian cancer syndrome (HBOC); Breast and ovarian cancer; BRCA1- and BRCA2-Associated Hereditary Breast and Ovarian Cancer. Identifiers: Orphanet 145, MedGen C0677776, MeSH D061325, MONDO:0003582. Disease mechanism: loss of function.
Hereditary cancer-predisposing syndrome. Also called: Hereditary neoplastic syndrome; Tumor predisposition; Neoplastic Syndromes, Hereditary; Hereditary Cancer Syndrome. Identifiers: Orphanet 140162, MedGen C0027672, MeSH D009386, MONDO:0015356.

Allele frequency attached by ClinVar (database versions not stated): TOPMed below 0.00001.

Submissions (4):

Labcorp Genetics (formerly Invitae), Labcorp
Classification: Uncertain significance for Hereditary breast ovarian cancer syndrome. Last evaluated: 2025-07-31. Review status: criteria provided, single submitter. Criteria: Invitae Variant Classification Sherloc (09022015). Collection method: clinical testing. Allele origin: germline.
Comment: This sequence change replaces glutamine, which is neutral and polar, with glutamic acid, which is acidic and polar, at codon 1931 of the BRCA2 protein (p.Gln1931Glu). This variant is not present in population databases (gnomAD no frequency). This variant has not been reported in the literature in individuals affected with BRCA2-related conditions. ClinVar contains an entry for this variant (Variation ID: 956019). Invitae Evidence Modeling of protein sequence and biophysical properties (such as structural, functional, and spatial information, amino acid conservation, physicochemical variation, residue mobility, and thermodynamic stability) indicates that this missense variant is not expected to disrupt BRCA2 protein function with a negative predictive value of 95%. In summary, the available evidence is currently insufficient to determine the role of this variant in disease. Therefore, it has been classified as a Variant of Uncertain Significance.

GeneDx
Classification: Uncertain significance. Last evaluated: 2024-12-27. Review status: criteria provided, single submitter. Criteria: GeneDx Variant Classification Process June 2021. Collection method: clinical testing. Allele origin: germline. Affected: yes.
Comment: Not observed at significant frequency in large population cohorts (gnomAD); In silico analysis indicates that this missense variant does not alter protein structure/function; Has not been previously published as pathogenic or benign to our knowledge; Also known as 6019C>G

Ambry Genetics
Classification: Likely benign for Hereditary cancer-predisposing syndrome. Last evaluated: 2024-09-19. Review status: criteria provided, single submitter. Criteria: Ambry Variant Classification Scheme 2023. Collection method: clinical testing. Allele origin: germline.

University of Washington Department of Laboratory Medicine, University of Washington
Classification: Likely benign for Hereditary cancer-predisposing syndrome. Last evaluated: 2023-03-23. Review status: criteria provided, single submitter. Criteria: Dines et al. (Genet Med. 2020). Collection method: curation. Allele origin: germline.
Comment: Missense variant in a coldspot region where missense variants are very unlikely to be pathogenic (PMID:31911673).

BRCA2 exon 11 coldspot. Reclassification based on statistical prior probability.

NM_000059.4(BRCA2):c.5791C>G (p.Gln1931Glu)

Gene: BRCA2 (BRCA2 DNA repair associated; plus strand). Cytogenetic location: 13q13.1.
Variant type: single nucleotide variant.
Coding change: c.5791C>G on transcript NM_000059.4 (MANE Select); coding-DNA position 5791, C replaced by G.
Protein change: p.Gln1931Glu; replaces glutamine 1931 with glutamic acid.
Molecular consequence: missense variant.
Genome position (GRCh38, 1-based): chr13:32,340,146, C>G. VCF-style: chr13-32340146-C-G. GRCh37 (hg19) VCF-style: chr13-32914283-C-G.
Other names: short protein forms Q1931E.
Identifiers: ClinVar variation 956019 (VCV000956019.13), dbSNP rs80358807, ClinGen allele CA387787175.